The following is an entry in ClinVar:

NM_007186.6(CEP250):c.1376A>C (p.Asp459Ala)

Genes: CEP250 (centrosomal protein 250; plus strand), CEP250-AS1 (CEP250 antisense RNA 1; minus strand). Cytogenetic location: 20q11.22.
Variant type: single nucleotide variant.
Coding change: c.1376A>C on transcript NM_007186.6 (MANE Select); coding-DNA position 1376, A replaced by C.
Protein change: p.Asp459Ala; replaces aspartic acid 459 with alanine.
Molecular consequence: missense variant. On other transcripts: non-coding transcript variant (7), 5 prime UTR variant (1).
Genome position (GRCh38, 1-based): chr20:35,473,540, A>C. VCF-style: chr20-35473540-A-C. GRCh37 (hg19) VCF-style: chr20-34061365-A-C.
Other names: c.-524A>C (NM_001318219.1); short protein forms D459A.
Identifiers: ClinVar variation 3705579 (VCV003705579.2).

ClinVar aggregate classification (germline): Uncertain significance (1 of 4 stars; one submission).

Submission:

Labcorp Genetics (formerly Invitae), Labcorp
Classification: Uncertain significance. Last evaluated: 2024-02-17. Review status: criteria provided, single submitter. Criteria: Invitae Variant Classification Sherloc (09022015). Collection method: clinical testing. Allele origin: germline.
Comment: This sequence change replaces aspartic acid, which is acidic and polar, with alanine, which is neutral and non-polar, at codon 459 of the CEP250 protein (p.Asp459Ala). This variant is not present in population databases (gnomAD no frequency). This variant has not been reported in the literature in individuals affected with CEP250-related conditions. An algorithm developed to predict the effect of missense changes on protein structure and function (PolyPhen-2) suggests that this variant is likely to be disruptive. In summary, the available evidence is currently insufficient to determine the role of this variant in disease. Therefore, it has been classified as a Variant of Uncertain Significance.